The following is an entry in ClinVar:

ClinVar aggregate classification (germline): Likely pathogenic (1 of 4 stars; one submission).

Submission:

GeneDx
Classification: Likely pathogenic. Last evaluated: 2012-11-18. Review status: criteria provided, single submitter. Criteria: GeneDx Variant Classification (06012015). Collection method: clinical testing. Allele origin: germline. Affected: yes.
Comment: c.64722delT: p.Ser21574ArgfsX19 (S21574RfsX19) in exon 275 of the TTN gene (NM_001256850.1). The normal sequence with the base that is deleted in braces is: TCAG{T}GCAG. The c.64722delT variant in the TTN gene has not been reported previously as pathogenic nor as a benign polymorphism, to our knowledge. c.64722delT causes a shift in reading frame starting at codon Serine 21574, changing it to an Arginine, and creating a premature stop codon at position 19 of the new reading frame, denoted p.Ser21574ArgfsX19. This variant is expected to result in either an abnormal, truncated protein product or loss of protein from this allele through nonsense-mediated mRNA decay. c.64722delT is located in the A-band region of titin, where the majority of truncating mutations associated with DCM have been reported (Herman D et al., 2012). In summary, while the c.64722delT variant in the TTN gene is likely a pathogenic variant, the possibility it is a rare benign variant cannot be excluded.

NM_001267550.2(TTN):c.69645del (p.Ser23215fs)

Genes: TTN (titin; minus strand), TTN-AS1 (TTN antisense RNA 1; plus strand), LOC126806422 (BRD4-independent group 4 enhancer GRCh37_chr2:179440205-179441404; plus strand). Cytogenetic location: 2q31.2.
Variant type: Deletion.
Coding change: c.69645del on transcript NM_001267550.2 (MANE Select); coding-DNA position 69645, one base deleted (T; older notation c.69645delT).
Protein change: p.Ser23215fs; shifts the reading frame from serine 23215.
Molecular consequence: frameshift variant.
Genome position (GRCh38, 1-based): chr2:178,576,599, A deleted on the plus strand (T on the coding strand, the reverse complement: TTN is on the minus strand). VCF-style (leftmost placement, unchanged base first): chr2-178576598-CA-C. GRCh37 (hg19) VCF-style: chr2-179441325-CA-C.
Other names: Ser21574Arg fsX19; c.64722del, p.Ser21574fs (NM_001256850.1); c.42450del, p.Ser14150fs (NM_003319.4); c.61941del, p.Ser20647fs (NM_133378.4); c.42825del, p.Ser14275fs (NM_133432.3); c.43026del, p.Ser14342fs (NM_133437.4); c.64722delT (NM_001256850.1); short protein forms S14342fs, S23215fs, S14150fs, S14275fs, S20647fs, S21574fs.
Identifiers: ClinVar variation 202460 (VCV000202460.2), dbSNP rs794729333, ClinGen allele CA309422.
Genomic context (GRCh38, chr2:178,576,598, plus strand): 5'-CTTTCATCAGAACAGAATCTGAAGCCTCACTGGGTGGACCAATTCCTGCTCTGTTTTCTG[CA>C]CTGACACGGAATTCGTAGGTGCTTCCTTCTTGCAGTCCTGTTACTTTGCACCTGAGATCG-3'